The following is an entry in ClinVar:

ClinVar aggregate classification (germline): Uncertain significance (1 of 4 stars; one submission).

Submission:

GeneDx
Classification: Uncertain significance. Last evaluated: 2024-03-05. Review status: criteria provided, single submitter. Criteria: GeneDx Variant Classification Process June 2021. Collection method: clinical testing. Allele origin: germline. Affected: yes.
Comment: Not observed at significant frequency in large population cohorts (gnomAD); In silico analysis supports that this missense variant does not alter protein structure/function; Has not been previously published as pathogenic or benign to our knowledge; This variant is associated with the following publications: (PMID: 22542517)

NM_001101362.3(KBTBD13):c.1205C>G (p.Thr402Ser)

Gene: KBTBD13 (kelch repeat and BTB domain containing 13; plus strand). Cytogenetic location: 15q22.31.
Variant type: single nucleotide variant.
Coding change: c.1205C>G on transcript NM_001101362.3 (MANE Select); coding-DNA position 1205, C replaced by G.
Protein change: p.Thr402Ser; replaces threonine 402 with serine.
Molecular consequence: missense variant.
Genome position (GRCh38, 1-based): chr15:65,078,020, C>G. VCF-style: chr15-65078020-C-G. GRCh37 (hg19) VCF-style: chr15-65370358-C-G.
Other names: short protein forms T402S.
Identifiers: ClinVar variation 3373529 (VCV003373529.1).